The following is an entry in ClinVar:

ClinVar aggregate classification (germline): Uncertain significance (1 of 4 stars; one submission).

Allele frequency attached by ClinVar (database versions not stated): TOPMed 0.00009; gnomAD 0.00012 and 0.00014; ESP Exome Variant Server 0.00015; ExAC 0.00022.
gnomAD v4.1: 220 of 1,611,310 alleles (0.014%); highest among the groups gnomAD compares: Middle Eastern, 0.033%; no homozygotes.

Submission:

Labcorp Genetics (formerly Invitae), Labcorp
Classification: Uncertain significance. Last evaluated: 2025-11-27. Review status: criteria provided, single submitter. Criteria: Invitae Variant Classification Sherloc (09022015). Collection method: clinical testing. Allele origin: germline.
Comment: This sequence change replaces leucine, which is neutral and non-polar, with histidine, which is basic and polar, at codon 2856 of the CELSR2 protein (p.Leu2856His). This variant is present in population databases (rs368574149, gnomAD 0.03%). This variant has not been reported in the literature in individuals affected with CELSR2-related conditions. ClinVar contains an entry for this variant (Variation ID: 1384311). Invitae Evidence Modeling of protein sequence and biophysical properties (such as structural, functional, and spatial information, amino acid conservation, physicochemical variation, residue mobility, and thermodynamic stability) indicates that this missense variant is not expected to disrupt CELSR2 protein function with a negative predictive value of 80%. In summary, the available evidence is currently insufficient to determine the role of this variant in disease. Therefore, it has been classified as a Variant of Uncertain Significance.

NM_001408.3(CELSR2):c.8567T>A (p.Leu2856His)

Gene: CELSR2 (cadherin EGF LAG seven-pass G-type receptor 2; plus strand). Cytogenetic location: 1p13.3.
Variant type: single nucleotide variant.
Coding change: c.8567T>A on transcript NM_001408.3 (MANE Select); coding-DNA position 8567, T replaced by A.
Protein change: p.Leu2856His; replaces leucine 2856 with histidine.
Molecular consequence: missense variant.
Genome position (GRCh38, 1-based): chr1:109,273,493, T>A. VCF-style: chr1-109273493-T-A. GRCh37 (hg19) VCF-style: chr1-109816115-T-A.
Other names: short protein forms L2856H.
Identifiers: ClinVar variation 1384311 (VCV001384311.8), dbSNP rs368574149, ClinGen allele CA988625.